The following is an entry in ClinVar:

NM_004431.5(EPHA2):c.1970G>C (p.Arg657Pro)

Gene: EPHA2 (EPH receptor A2; minus strand). Cytogenetic location: 1p36.13.
Variant type: single nucleotide variant.
Coding change: c.1970G>C on transcript NM_004431.5 (MANE Select); coding-DNA position 1970, G replaced by C.
Protein change: p.Arg657Pro; replaces arginine 657 with proline.
Molecular consequence: missense variant.
Genome position (GRCh38, 1-based): chr1:16,133,263, C>G on the plus strand (G>C on the coding strand, the complement: EPHA2 is on the minus strand). VCF-style: chr1-16133263-C-G. GRCh37 (hg19) VCF-style: chr1-16459758-C-G.
Other names: c.1808G>C, p.Arg603Pro (NM_001329090.2); short protein forms R657P, R603P.
Identifiers: ClinVar variation 2090355 (VCV002090355.4), dbSNP rs1219222518, ClinGen allele CA338624381.

ClinVar aggregate classification (germline): Uncertain significance (1 of 4 stars; one submission).

Conditions:
Cataract 6 multiple types. Also called: CATARACT 6, POSTERIOR POLAR; CATARACT 6, CONGENITAL TOTAL; CATARACT, AGE-RELATED CORTICAL, 2. Identifiers: Orphanet 91492, MedGen C1861825, MONDO:0007288, OMIM 116600.

Submission:

Labcorp Genetics (formerly Invitae), Labcorp
Classification: Uncertain significance for Cataract 6 multiple types. Last evaluated: 2022-01-27. Review status: criteria provided, single submitter. Criteria: Invitae Variant Classification Sherloc (09022015). Collection method: clinical testing. Allele origin: germline.
Comment: In summary, the available evidence is currently insufficient to determine the role of this variant in disease. Therefore, it has been classified as a Variant of Uncertain Significance. Advanced modeling of protein sequence and biophysical properties (such as structural, functional, and spatial information, amino acid conservation, physicochemical variation, residue mobility, and thermodynamic stability) performed at Invitae indicates that this missense variant is not expected to disrupt EPHA2 protein function. This variant has not been reported in the literature in individuals affected with EPHA2-related conditions. This variant is not present in population databases (gnomAD no frequency). This sequence change replaces arginine, which is basic and polar, with proline, which is neutral and non-polar, at codon 657 of the EPHA2 protein (p.Arg657Pro).